The following is an entry in ClinVar:

NM_001085487.3(MYSM1):c.329C>G (p.Ser110Cys)

Gene: MYSM1 (Myb like, SWIRM and MPN domains 1; minus strand). Cytogenetic location: 1p32.1.
Variant type: single nucleotide variant.
Coding change: c.329C>G on transcript NM_001085487.3 (MANE Select); coding-DNA position 329, C replaced by G.
Protein change: p.Ser110Cys; replaces serine 110 with cysteine.
Molecular consequence: missense variant.
Genome position (GRCh38, 1-based): chr1:58,689,108, G>C on the plus strand (C>G on the coding strand, the complement: MYSM1 is on the minus strand). VCF-style: chr1-58689108-G-C. GRCh37 (hg19) VCF-style: chr1-59154780-G-C.
Other names: short protein forms S110C.
Identifiers: ClinVar variation 2084970 (VCV002084970.4), dbSNP rs1203219415, ClinGen allele CA340532421.
Genomic context (GRCh38, chr1:58,689,108, plus strand): 5'-TCAAACAGCTCTTTTTCTTCTATCGTCCACTTTACTGAGTAACTGGCTGGTTTTGTAGGA[G>C]AGTGTACCCTGAGGGGAAAAAAAGGAATTGCAAAAAAAATTTCTGAAATGGAACATTCCA-3'
Protein context (NP_001078956.1, residues 100-120): LQKTAKIMVH[Ser110Cys]PTKPASYSVK

ClinVar aggregate classification (germline): Uncertain significance (1 of 4 stars; one submission).

Allele frequency attached by ClinVar (database versions not stated): gnomAD exomes below 0.00001.
gnomAD v4.1: 2 of 1,599,686 alleles (0.00013%); highest among the groups gnomAD compares: Middle Eastern, 0.033%; no homozygotes.

Submission:

Labcorp Genetics (formerly Invitae), Labcorp
Classification: Uncertain significance. Last evaluated: 2025-10-23. Review status: criteria provided, single submitter. Criteria: Invitae Variant Classification Sherloc (09022015). Collection method: clinical testing. Allele origin: germline.
Comment: This sequence change replaces serine, which is neutral and polar, with cysteine, which is neutral and slightly polar, at codon 110 of the MYSM1 protein (p.Ser110Cys). This variant is present in population databases (no rsID available, gnomAD 0.0009%). This variant has not been reported in the literature in individuals affected with MYSM1-related conditions. ClinVar contains an entry for this variant (Variation ID: 2084970). Invitae Evidence Modeling of protein sequence and biophysical properties (such as structural, functional, and spatial information, amino acid conservation, physicochemical variation, residue mobility, and thermodynamic stability) indicates that this missense variant is expected to disrupt MYSM1 protein function with a positive predictive value of 80%. In summary, the available evidence is currently insufficient to determine the role of this variant in disease. Therefore, it has been classified as a Variant of Uncertain Significance.